The following is an entry in ClinVar:

ClinVar aggregate classification (germline): Benign. Review status: criteria provided, multiple submitters, no conflicts (2 of 4 stars). 7 submissions from 3 submitters: Benign (7). Last evaluated 2021-07-22.

Conditions:
Osteogenesis imperfecta, perinatal lethal (OI2). Also called: OSTEOGENESIS IMPERFECTA, TYPE II; VROLIK TYPE OF OSTEOGENESIS IMPERFECTA; Osteogenesis imperfecta type 2; Osteogenesis imperfecta, dominant perinatal lethal; OI, TYPE II; OSTEOGENESIS IMPERFECTA CONGENITA. Identifiers: Orphanet 216804, MedGen C0268358, MONDO:0008147, OMIM 166210.
Osteogenesis imperfecta with normal sclerae, dominant form (OI4). Also called: OSTEOGENESIS IMPERFECTA, TYPE IV, WITH DENTINOGENESIS IMPERFECTA; Osteogenesis Imperfecta Type IV; Common Variable Osteogenesis Imperfecta with Normal Sclerae; Osteogenesis imperfecta type 4; OSTEOGENESIS IMPERFECTA WITH NORMAL SCLERAE. Identifiers: Orphanet 216820, Orphanet 666, MedGen C0268363, MONDO:0008148, OMIM 166220.
Ehlers-Danlos syndrome, arthrochalasia type. Also called: ARTHROCHALASIS MULTIPLEX CONGENITA; Ehlers-Danlos syndrome, arthrochalasis type; Ehlers-Danlos syndrome, arthrochalasia type, 1; EDS VII, MUTANT PROCOLLAGEN TYPE; EDS VIIA. Identifiers: Orphanet 1899, Orphanet 99875, Orphanet 99876, MedGen C4551623, MONDO:0007525, OMIM 130060.
Osteogenesis imperfecta type I (OI1). Also called: Lobstein disease; Lobstein's Disease; Osteogenesis imperfecta type 1; Classic Non-deforming Osteogenesis Imperfecta with Blue Sclerae; OI, TYPE I; OSTEOGENESIS IMPERFECTA TARDA. Identifiers: Orphanet 216796, Orphanet 666, MedGen C0023931, MONDO:0008146, OMIM 166200. Disease mechanism: loss of function.
Osteogenesis imperfecta type III (OI3). Also called: Osteogenesis imperfecta type 3; OI type 3; Osteogenesis imperfecta, progressively deforming with normal sclerae; OI type III; Progressively Deforming Osteogenesis Imperfecta. Identifiers: Orphanet 216812, Orphanet 666, MedGen C0268362, MONDO:0009804, OMIM 259420.

Allele frequency attached by ClinVar (database versions not stated): 1000 Genomes Project 0.61122; 1000 Genomes Project 30x 0.61618; gnomAD 0.65839 and 0.66062; ESP Exome Variant Server 0.65847; TOPMed 0.66079; gnomAD exomes 0.66960 and 0.68453; ExAC 0.67269.

Submissions (8):

Genome-Nilou Lab
Classification: Benign for Ehlers-Danlos syndrome, arthrochalasia type. Last evaluated: 2021-07-22. Review status: criteria provided, single submitter. Criteria: ACMG Guidelines, 2015. Collection method: clinical testing. Allele origin: germline. Affected: no.

Genome-Nilou Lab
Classification: Benign for Osteogenesis imperfecta type I. Last evaluated: 2021-07-22. Review status: criteria provided, single submitter. Criteria: ACMG Guidelines, 2015. Collection method: clinical testing. Allele origin: germline. Affected: no.

Genome-Nilou Lab
Classification: Benign for Osteogenesis imperfecta, perinatal lethal. Last evaluated: 2021-07-22. Review status: criteria provided, single submitter. Criteria: ACMG Guidelines, 2015. Collection method: clinical testing. Allele origin: germline. Affected: no.

Genome-Nilou Lab
Classification: Benign for Osteogenesis imperfecta type III. Last evaluated: 2021-07-22. Review status: criteria provided, single submitter. Criteria: ACMG Guidelines, 2015. Collection method: clinical testing. Allele origin: germline. Affected: no.

Genome-Nilou Lab
Classification: Benign for Osteogenesis imperfecta with normal sclerae, dominant form. Last evaluated: 2021-07-22. Review status: criteria provided, single submitter. Criteria: ACMG Guidelines, 2015. Collection method: clinical testing. Allele origin: germline. Affected: no.

GeneDx
Classification: Benign. Last evaluated: 2018-06-14. Review status: criteria provided, single submitter. Criteria: GeneDx Variant Classification (06012015). Collection method: clinical testing. Allele origin: germline. Affected: yes.
Comment: This variant is considered likely benign or benign based on one or more of the following criteria: it is a conservative change, it occurs at a poorly conserved position in the protein, it is predicted to be benign by multiple in silico algorithms, and/or has population frequency not consistent with disease.

Breakthrough Genomics
Classification: Benign. Review status: criteria provided, single submitter. Criteria: ACMG Guidelines, 2015. Collection method: not provided. Allele origin: germline. Inheritance: Autosomal dominant inheritance. Affected: yes.

Dr. Peter K. Rogan Lab, Western University
No classification provided (evidence only). Condition: Familial cancer of breast. Review status: no classification provided. Collection method: in vitro. Allele origin: not applicable. Functional consequence: retained intron. Not counted in ClinVar's aggregate classification.

NM_000088.4(COL1A1):c.3261+31T>C

Gene: COL1A1 (collagen type I alpha 1 chain; minus strand). Cytogenetic location: 17q21.33.
Variant type: single nucleotide variant.
Coding change: c.3261+31T>C on transcript NM_000088.4 (MANE Select); 31 bases into the intron after coding-DNA position 3261, T replaced by C.
Molecular consequence: intron variant.
Genome position (GRCh38, 1-based): chr17:50,188,065, A>G on the plus strand (T>C on the coding strand, the complement: COL1A1 is on the minus strand). VCF-style: chr17-50188065-A-G. GRCh37 (hg19) VCF-style: chr17-48265426-A-G.
Other names: NC_000017.10:g.48265426A>G.
Identifiers: ClinVar variation 674808 (VCV000674808.6), dbSNP rs2586488, ClinGen allele CA8644498.